The following is an entry in ClinVar:

ClinVar aggregate classification (germline): Benign (0 of 4 stars; one submission).

Conditions:
NTN1-related disorder. Also called: NTN1-related condition.

Allele frequency attached by ClinVar (database versions not stated): ESP Exome Variant Server 0.01953; TOPMed 0.02088; gnomAD 0.02213; gnomAD exomes 0.02456; ExAC 0.03405; 1000 Genomes Project 30x 0.04606; 1000 Genomes Project 0.04732.
gnomAD v4.1: 39,447 of 1,613,756 alleles (2.4%); highest among the groups gnomAD compares: East Asian, 11%; 866 homozygotes.

Submission:

PreventionGenetics, part of Exact Sciences
Classification: Benign for NTN1-related condition. Last evaluated: 2019-06-19. Review status: no assertion criteria provided. Collection method: clinical testing. Allele origin: germline.
Comment: This variant is classified as benign based on ACMG/AMP sequence variant interpretation guidelines (Richards et al. 2015 PMID: 25741868, with internal and published modifications).

NM_004822.3(NTN1):c.1137C>T (p.His379=)

Gene: NTN1 (netrin 1; plus strand). Cytogenetic location: 17p13.1.
Variant type: single nucleotide variant.
Coding change: c.1137C>T on transcript NM_004822.3 (MANE Select); coding-DNA position 1137, C replaced by T.
Protein change: p.His379=; no amino-acid change (histidine 379 retained).
Molecular consequence: synonymous variant.
Genome position (GRCh38, 1-based): chr17:9,162,931, C>T. VCF-style: chr17-9162931-C-T. GRCh37 (hg19) VCF-style: chr17-9066248-C-T.
Identifiers: ClinVar variation 3056655 (VCV003056655.2), dbSNP rs55687153, ClinGen allele CA8381116.
Genomic context (GRCh38, chr17:9,162,931, plus strand): 5'-TTCGGGGCGCAAGAGCGGAGGTGTCTGCCTCAACTGTCGCCACAACACCGCCGGCCGCCA[C>T]TGCCATTACTGCAAGGAGGGCTACTACCGCGACATGGGCAAGCCCATCACCCACCGGAAG-3'
Protein context (NP_004813.2, residues 369-389): LNCRHNTAGR[His379=]CHYCKEGYYR